The following is an entry in ClinVar:

NM_000176.3(NR3C1):c.2115A>C (p.Glu705Asp)

Gene: NR3C1 (nuclear receptor subfamily 3 group C member 1; minus strand). Cytogenetic location: 5q31.3.
Variant type: single nucleotide variant.
Coding change: c.2115A>C on transcript NM_000176.3 (MANE Select); coding-DNA position 2115, A replaced by C.
Protein change: p.Glu705Asp; replaces glutamic acid 705 with aspartic acid.
Molecular consequence: missense variant. On other transcripts: non-coding transcript variant (1).
Genome position (GRCh38, 1-based): chr5:143,282,634, T>G on the plus strand (A>C on the coding strand, the complement: NR3C1 is on the minus strand). VCF-style: chr5-143282634-T-G. GRCh37 (hg19) VCF-style: chr5-142662199-T-G.
Other names: c.2115A>C, p.Glu705Asp (NM_001018074.1, NM_001018075.1, NM_001018076.2 and 5 more transcripts); c.2118A>C, p.Glu706Asp (NM_001024094.2, NM_001364183.2, NM_001364184.2 and 1 more transcripts); c.2037A>C, p.Glu679Asp (NM_001204258.2); c.1860A>C, p.Glu620Asp (NM_001204259.2); c.1848A>C, p.Glu616Asp (NM_001204260.2); c.1824A>C, p.Glu608Asp (NM_001204261.2); c.1170A>C, p.Glu390Asp (NM_001204262.2); c.1125A>C, p.Glu375Asp (NM_001204263.2); and 1 more; short protein forms E375D, E679D, E705D, E706D, E370D, E608D, E616D, E390D.
Identifiers: ClinVar variation 5006850 (VCV005006850.2).

ClinVar aggregate classification (germline): Uncertain significance (1 of 4 stars; one submission).

Conditions:
Glucocorticoid resistance. Also called: Glucocorticoid resistance, generalized; Gccr deficiency; Glucocorticoid receptor deficiency; Cortisol resistance from glucocorticoid receptor defect; Gcr deficiency. Identifiers: Orphanet 786, MedGen C1841972, MONDO:0014421, OMIM 615962.

Submission:

Juno Genomics, Hangzhou Juno Genomics, Inc
Classification: Uncertain significance for Glucocorticoid resistance. Review status: criteria provided, single submitter. Criteria: ACMG Guidelines, 2015. Collection method: clinical testing. Allele origin: germline.
Comment: Absent from controls (or at extremely low frequency if recessive) in Genome Aggregation Database.;Multiple lines of computational evidence support a deleterious effect on the gene or gene product.